The following is an entry in ClinVar:

ClinVar aggregate classification (germline): Conflicting classifications of pathogenicity. Review status: criteria provided, conflicting classifications (1 of 4 stars). 3 submissions from 3 submitters: Uncertain significance (2); Likely benign (1). Last evaluated 2026-03-18.

Conditions:
Hereditary cancer-predisposing syndrome. Also called: Hereditary Cancer Syndrome; Tumor predisposition; Hereditary neoplastic syndrome; Neoplastic Syndromes, Hereditary. Identifiers: Orphanet 140162, MedGen C0027672, MeSH D009386, MONDO:0015356.

gnomAD v4.1: 2 of 1,613,720 alleles (0.00012%); highest among the groups gnomAD compares: Non-Finnish European, 0.00017%; no homozygotes.

Submissions (3):

Ambry Genetics
Classification: Likely benign for Hereditary cancer-predisposing syndrome. Last evaluated: 2026-03-18. Review status: criteria provided, single submitter. Criteria: Ambry Variant Classification Scheme 2023. Collection method: clinical testing. Allele origin: germline.

Labcorp Genetics (formerly Invitae), Labcorp
Classification: Uncertain significance. Last evaluated: 2026-01-19. Review status: criteria provided, single submitter. Criteria: Invitae Variant Classification Sherloc (09022015). Collection method: clinical testing. Allele origin: germline.
Comment: This sequence change replaces proline, which is neutral and non-polar, with serine, which is neutral and polar, at codon 1549 of the POLE protein (p.Pro1549Ser). This variant is present in population databases (rs147500308, gnomAD 0.0009%). This variant has not been reported in the literature in individuals affected with POLE-related conditions. ClinVar contains an entry for this variant (Variation ID: 405635). Invitae Evidence Modeling of protein sequence and biophysical properties (such as structural, functional, and spatial information, amino acid conservation, physicochemical variation, residue mobility, and thermodynamic stability) indicates that this missense variant is not expected to disrupt POLE protein function with a negative predictive value of 80%. In summary, the available evidence is currently insufficient to determine the role of this variant in disease. Therefore, it has been classified as a Variant of Uncertain Significance.

Center for Genomic Medicine, Rigshospitalet, Copenhagen University Hospital
Classification: Uncertain significance. Last evaluated: 2025-12-29. Review status: criteria provided, single submitter. Criteria: ACMG Guidelines, 2015. Collection method: clinical testing. Allele origin: germline.

NM_006231.4(POLE):c.4645C>T (p.Pro1549Ser)

Gene: POLE (DNA polymerase epsilon, catalytic subunit; minus strand). Cytogenetic location: 12q24.33.
Variant type: single nucleotide variant.
Coding change: c.4645C>T on transcript NM_006231.4 (MANE Select); coding-DNA position 4645, C replaced by T.
Protein change: p.Pro1549Ser; replaces proline 1549 with serine.
Molecular consequence: missense variant.
Genome position (GRCh38, 1-based): chr12:132,642,903, G>A on the plus strand (C>T on the coding strand, the complement: POLE is on the minus strand). VCF-style: chr12-132642903-G-A. GRCh37 (hg19) VCF-style: chr12-133219489-G-A.
Other names: short protein forms P1549S.
Identifiers: ClinVar variation 405635 (VCV000405635.10), dbSNP rs147500308, ClinGen allele CA6892758.
Genomic context (GRCh38, chr12:132,642,903, plus strand): 5'-GGATGGCTCTGCAGATGGTCTTCAGGTCAGTTTCTGCCCGAACTTCGAAGGTGTGTTTGG[G>A]GGGTGGCAGGAGCTCAGGGCCCACCTTCTCCAGGAGGAGGCCGTGCTCTGCTGAGTACAG-3'
Protein context (NP_006222.2, residues 1539-1559): EKVGPELLPP[Pro1549Ser]KHTFEVRAET